The following is an entry in ClinVar:

ClinVar aggregate classification (germline): Likely pathogenic (1 of 4 stars; one submission).

Submission:

Dasa
Classification: Likely pathogenic. Last evaluated: 2024-08-20. Review status: criteria provided, single submitter. Criteria: DASA Assertion Criteria. Collection method: clinical testing. Allele origin: germline.
Comment: NM_006755.2(TALDO1):c.690_691insGTTT (p.Thr231Valfs*22) is a frameshift variant in TALDO1 predicted to alter the reading frame and introduce a premature termination codon and is predicted to result in an absent or altered protein product. Loss of function is an established disease mechanism for TALDO1-associated disorders. Also, this variant is absent from population databases. Based on the currently available evidence, this variant is classified as likely pathogenic.

NM_006755.2(TALDO1):c.690_691insGTTT (p.Thr231fs)

Gene: TALDO1 (transaldolase 1; plus strand). Cytogenetic location: 11p15.5.
Variant type: Insertion.
Coding change: c.690_691insGTTT on transcript NM_006755.2 (MANE Select); coding-DNA positions 690 to 691, GTTT inserted.
Protein change: p.Thr231fs; shifts the reading frame from threonine 231.
Molecular consequence: frameshift variant.
Genome position: GRCh38 VCF-style: chr11-763799-A-AGTTT. GRCh37 (hg19) VCF-style: chr11-763799-A-AGTTT.
Other names: short protein forms T231fs.
Identifiers: ClinVar variation 4856843 (VCV004856843.2).